The following is an entry in ClinVar:

ClinVar aggregate classification (germline): Uncertain significance. Review status: criteria provided, multiple submitters, no conflicts (2 of 4 stars). 2 submissions from 2 submitters: Uncertain significance (2). Last evaluated 2025-04-05.

Conditions:
Progressive familial heart block type IB (PFHB1B). Identifiers: Orphanet 871, MedGen C1970298, MONDO:0011474, OMIM 604559.
Cardiovascular phenotype. Identifiers: MedGen CN230736.

Allele frequency attached by ClinVar (database versions not stated): gnomAD exomes below 0.00001; gnomAD 0.00001.
gnomAD v4.1: 4 of 1,577,728 alleles (0.00025%); highest among the groups gnomAD compares: African/African-American, 0.0013%; no homozygotes.

Submissions (2):

Ambry Genetics
Classification: Uncertain significance for Cardiovascular phenotype. Last evaluated: 2025-04-05. Review status: criteria provided, single submitter. Criteria: Ambry Variant Classification Scheme 2023. Collection method: clinical testing. Allele origin: germline.
Comment: The p.K492R variant (also known as c.1475A>G), located in coding exon 11 of the TRPM4 gene, results from an A to G substitution at nucleotide position 1475. The lysine at codon 492 is replaced by arginine, an amino acid with highly similar properties. This amino acid position is conserved. In addition, this alteration is predicted to be tolerated by in silico analysis. Based on the available evidence, the clinical significance of this variant remains unclear.

Labcorp Genetics (formerly Invitae), Labcorp
Classification: Uncertain significance for Progressive familial heart block type IB. Last evaluated: 2022-10-24. Review status: criteria provided, single submitter. Criteria: Invitae Variant Classification Sherloc (09022015). Collection method: clinical testing. Allele origin: germline.
Comment: This sequence change replaces lysine, which is basic and polar, with arginine, which is basic and polar, at codon 492 of the TRPM4 protein (p.Lys492Arg). This variant is present in population databases (no rsID available, gnomAD 0.01%). This variant has not been reported in the literature in individuals affected with TRPM4-related conditions. ClinVar contains an entry for this variant (Variation ID: 536796). Algorithms developed to predict the effect of missense changes on protein structure and function (SIFT, PolyPhen-2, Align-GVGD) all suggest that this variant is likely to be tolerated. In summary, the available evidence is currently insufficient to determine the role of this variant in disease. Therefore, it has been classified as a Variant of Uncertain Significance.

NM_017636.4(TRPM4):c.1475A>G (p.Lys492Arg)

Gene: TRPM4 (transient receptor potential cation channel subfamily M member 4; plus strand). Cytogenetic location: 19q13.33.
Variant type: single nucleotide variant.
Coding change: c.1475A>G on transcript NM_017636.4 (MANE Select); coding-DNA position 1475, A replaced by G.
Protein change: p.Lys492Arg; replaces lysine 492 with arginine.
Molecular consequence: missense variant. On other transcripts: 5 prime UTR variant (1).
Genome position (GRCh38, 1-based): chr19:49,182,789, A>G. VCF-style: chr19-49182789-A-G. GRCh37 (hg19) VCF-style: chr19-49686046-A-G.
Other names: c.1475A>G, p.Lys492Arg (NM_001195227.2); c.1130A>G, p.Lys377Arg (NM_001321281.2); c.-79A>G (NM_001321282.2); c.953A>G, p.Lys318Arg (NM_001321283.2); c.413A>G, p.Lys138Arg (NM_001321285.2); short protein forms K492R, K318R, K138R, K377R.
Identifiers: ClinVar variation 536796 (VCV000536796.9), dbSNP rs1236428733, ClinGen allele CA406799440.